The following is an entry in ClinVar:

NM_002485.5(NBN):c.668A>G (p.Lys223Arg)

Gene: NBN (nibrin; minus strand). Cytogenetic location: 8q21.3.
Variant type: single nucleotide variant.
Coding change: c.668A>G on transcript NM_002485.5 (MANE Select); coding-DNA position 668, A replaced by G.
Protein change: p.Lys223Arg; replaces lysine 223 with arginine.
Molecular consequence: missense variant.
Genome position (GRCh38, 1-based): chr8:89,971,207, T>C on the plus strand (A>G on the coding strand, the complement: NBN is on the minus strand). VCF-style: chr8-89971207-T-C. GRCh37 (hg19) VCF-style: chr8-90983435-T-C.
Other names: c.422A>G, p.Lys141Arg (NM_001024688.3); short protein forms K223R, K141R.
Identifiers: ClinVar variation 483973 (VCV000483973.13), dbSNP rs530438634, ClinGen allele CA371659032.

ClinVar aggregate classification (germline): Uncertain significance. Review status: criteria provided, multiple submitters, no conflicts (2 of 4 stars). 2 submissions from 2 submitters: Uncertain significance (2). Last evaluated 2023-08-17.

Conditions:
Hereditary cancer-predisposing syndrome. Also called: Hereditary neoplastic syndrome; Neoplastic Syndromes, Hereditary; Tumor predisposition; Hereditary Cancer Syndrome. Identifiers: Orphanet 140162, MedGen C0027672, MeSH D009386, MONDO:0015356.
Microcephaly, normal intelligence and immunodeficiency (NBS). Also called: IMMUNODEFICIENCY, MICROCEPHALY, AND CHROMOSOMAL INSTABILITY; SEEMANOVA SYNDROME II; Nijmegen breakage syndrome; Microcephaly with normal intelligence immunodeficiency and lymphoreticular malignancies; Nonsyndromal microcephaly autosomal recessive with normal intelligence; Seemanova syndrome 2. Identifiers: Orphanet 647, MedGen C0398791, MONDO:0009623, OMIM 251260.

Submissions (2):

Ambry Genetics
Classification: Uncertain significance for Hereditary cancer-predisposing syndrome. Last evaluated: 2023-08-17. Review status: criteria provided, single submitter. Criteria: Ambry Variant Classification Scheme 2023. Collection method: clinical testing. Allele origin: germline.
Comment: The p.K223R variant (also known as c.668A>G), located in coding exon 6 of the NBN gene, results from an A to G substitution at nucleotide position 668. The lysine at codon 223 is replaced by arginine, an amino acid with highly similar properties. This amino acid position is not well conserved in available vertebrate species. In addition, this alteration is predicted to be tolerated by in silico analysis. Since supporting evidence is limited at this time, the clinical significance of this alteration remains unclear.

Labcorp Genetics (formerly Invitae), Labcorp
Classification: Uncertain significance for Microcephaly, normal intelligence and immunodeficiency. Last evaluated: 2022-10-20. Review status: criteria provided, single submitter. Criteria: Invitae Variant Classification Sherloc (09022015). Collection method: clinical testing. Allele origin: germline.
Comment: In summary, the available evidence is currently insufficient to determine the role of this variant in disease. Therefore, it has been classified as a Variant of Uncertain Significance. Algorithms developed to predict the effect of missense changes on protein structure and function output the following: SIFT: "Tolerated"; PolyPhen-2: "Benign"; Align-GVGD: "Class C0". The arginine amino acid residue is found in multiple mammalian species, which suggests that this missense change does not adversely affect protein function. ClinVar contains an entry for this variant (Variation ID: 483973). This variant has not been reported in the literature in individuals affected with NBN-related conditions. This variant is not present in population databases (gnomAD no frequency). This sequence change replaces lysine, which is basic and polar, with arginine, which is basic and polar, at codon 223 of the NBN protein (p.Lys223Arg).